The following is an entry in ClinVar:

ClinVar aggregate classification (germline): Uncertain significance (1 of 4 stars; one submission).

Submission:

GeneDx
Classification: Uncertain significance. Last evaluated: 2024-03-18. Review status: criteria provided, single submitter. Criteria: GeneDx Variant Classification Process June 2021. Collection method: clinical testing. Allele origin: germline. Affected: yes.
Comment: Has not been previously published as pathogenic or benign to our knowledge; Not observed at significant frequency in large population cohorts (gnomAD); In silico analysis supports that this missense variant has a deleterious effect on protein structure/function

NM_005902.4(SMAD3):c.1177C>G (p.Pro393Ala)

Gene: SMAD3 (SMAD family member 3; plus strand). Cytogenetic location: 15q22.33.
Variant type: single nucleotide variant.
Coding change: c.1177C>G on transcript NM_005902.4 (MANE Select); coding-DNA position 1177, C replaced by G.
Protein change: p.Pro393Ala; replaces proline 393 with alanine.
Molecular consequence: missense variant.
Genome position (GRCh38, 1-based): chr15:67,190,435, C>G. VCF-style: chr15-67190435-C-G. GRCh37 (hg19) VCF-style: chr15-67482773-C-G.
Other names: c.862C>G, p.Pro288Ala (NM_001145102.2); c.1045C>G, p.Pro349Ala (NM_001145103.2); c.592C>G, p.Pro198Ala (NM_001145104.2); short protein forms P198A, P288A, P349A, P393A.
Identifiers: ClinVar variation 1305567 (VCV001305567.3), dbSNP rs2140327731, ClinGen allele CA392958685.